The following is an entry in ClinVar:

NM_001367805.3(KIF23):c.364A>G (p.Met122Val)

Gene: KIF23 (kinesin family member 23; plus strand). Cytogenetic location: 15q23.
Variant type: single nucleotide variant.
Coding change: c.364A>G on transcript NM_001367805.3 (MANE Select); coding-DNA position 364, A replaced by G.
Protein change: p.Met122Val; replaces methionine 122 with valine.
Molecular consequence: missense variant. On other transcripts: non-coding transcript variant (2), intron variant (1).
Genome position (GRCh38, 1-based): chr15:69,422,039, A>G. VCF-style: chr15-69422039-A-G. GRCh37 (hg19) VCF-style: chr15-69714378-A-G.
Other names: c.364A>G, p.Met122Val (NM_001367804.2, NM_004856.7, NM_138555.4); c.123+287A>G (NM_001281301.2); c.364A>G (NM_138555.2); short protein forms M122V.
Identifiers: ClinVar variation 1902449 (VCV001902449.6), dbSNP rs200683749, ClinGen allele CA7634886.
Genomic context (GRCh38, chr15:69,422,039, plus strand): 5'-TGCTACACTGTAGGTCTTCTTTTTACATATGGTGTGACGGGAAGTGGAAAAACTCACACA[A>G]TGACTGGTTCTCCAGGGGAAGGAGGGCTGCTTCCTCGTTGTTTGGACATGATCTTTAACA-3'
Protein context (NP_001354734.1, residues 112-132): GVTGSGKTHT[Met122Val]TGSPGEGGLL

ClinVar aggregate classification (germline): Uncertain significance. Review status: criteria provided, multiple submitters, no conflicts (2 of 4 stars). 2 submissions from 2 submitters: Uncertain significance (2). Last evaluated 2025-09-10.

Allele frequency attached by ClinVar (database versions not stated): ExAC 0.00002; gnomAD exomes 0.00002; gnomAD 0.00003; TOPMed 0.00005.

Submissions (2):

Labcorp Genetics (formerly Invitae), Labcorp
Classification: Uncertain significance. Last evaluated: 2025-09-10. Review status: criteria provided, single submitter. Criteria: Invitae Variant Classification Sherloc (09022015). Collection method: clinical testing. Allele origin: germline.
Comment: This sequence change replaces methionine, which is neutral and non-polar, with valine, which is neutral and non-polar, at codon 122 of the KIF23 protein (p.Met122Val). This variant is present in population databases (rs200683749, gnomAD 0.07%), and has an allele count higher than expected for a pathogenic variant. This variant has not been reported in the literature in individuals affected with KIF23-related conditions. ClinVar contains an entry for this variant (Variation ID: 1902449). Invitae Evidence Modeling of protein sequence and biophysical properties (such as structural, functional, and spatial information, amino acid conservation, physicochemical variation, residue mobility, and thermodynamic stability) indicates that this missense variant is not expected to disrupt KIF23 protein function with a negative predictive value of 80%. In summary, the available evidence is currently insufficient to determine the role of this variant in disease. Therefore, it has been classified as a Variant of Uncertain Significance.

Ambry Genetics
Classification: Uncertain significance. Last evaluated: 2024-03-19. Review status: criteria provided, single submitter. Criteria: Ambry Variant Classification Scheme 2023. Collection method: clinical testing. Allele origin: germline.